The following is an entry in ClinVar:

ClinVar aggregate classification (germline): Uncertain significance. Review status: criteria provided, multiple submitters, no conflicts (2 of 4 stars). 2 submissions from 2 submitters: Uncertain significance (2). Last evaluated 2025-01-17.

Conditions:
Ataxia - intellectual disability - oculomotor apraxia - cerebellar cysts syndrome. Also called: Poretti-Boltshauser syndrome. Identifiers: Orphanet 370022, MedGen C4014821, MONDO:0014419, OMIM 615960.
Inborn genetic diseases. Identifiers: MedGen C0950123, MeSH D030342.

Allele frequency attached by ClinVar (database versions not stated): TOPMed 0.00001.
gnomAD v4.1: 6 of 1,613,992 alleles (0.00037%); highest among the groups gnomAD compares: Non-Finnish European, 0.00051%; no homozygotes.

Submissions (2):

Ambry Genetics
Classification: Uncertain significance for Inborn genetic diseases. Last evaluated: 2025-01-17. Review status: criteria provided, single submitter. Criteria: Ambry Variant Classification Scheme 2023. Collection method: clinical testing. Allele origin: germline.

Baylor Genetics
Classification: Uncertain significance for Ataxia - intellectual disability - oculomotor apraxia - cerebellar cysts syndrome. Last evaluated: 2020-07-13. Review status: criteria provided, single submitter. Criteria: ACMG Guidelines, 2015. Collection method: clinical testing. Allele origin: unknown. Affected: yes.
Comment: This variant was determined to be of uncertain significance according to ACMG Guidelines, 2015 [PMID:25741868].

NM_005559.4(LAMA1):c.6557C>A (p.Ser2186Tyr)

Gene: LAMA1 (laminin subunit alpha 1; minus strand). Cytogenetic location: 18p11.31.
Variant type: single nucleotide variant.
Coding change: c.6557C>A on transcript NM_005559.4 (MANE Select); coding-DNA position 6557, C replaced by A.
Protein change: p.Ser2186Tyr; replaces serine 2186 with tyrosine.
Molecular consequence: missense variant.
Genome position (GRCh38, 1-based): chr18:6,974,969, G>T on the plus strand (C>A on the coding strand, the complement: LAMA1 is on the minus strand). VCF-style: chr18-6974969-G-T. GRCh37 (hg19) VCF-style: chr18-6974968-G-T.
Other names: short protein forms S2186Y.
Identifiers: ClinVar variation 1030938 (VCV001030938.2), dbSNP rs1261229691, ClinGen allele CA401829504.